The following is an entry in ClinVar:

ClinVar aggregate classification (germline): Conflicting classifications of pathogenicity. Review status: criteria provided, conflicting classifications (1 of 4 stars). 2 submissions from 2 submitters: Uncertain significance (1); Likely benign (1). Last evaluated 2025-07-31.

Conditions:
Hereditary cancer-predisposing syndrome. Also called: Neoplastic Syndromes, Hereditary; Tumor predisposition; Hereditary Cancer Syndrome; Hereditary neoplastic syndrome. Identifiers: Orphanet 140162, MedGen C0027672, MeSH D009386, MONDO:0015356.
Familial cancer of breast. Also called: BREAST CANCER, FAMILIAL; Hereditary breast cancer; hereditary breast carcinoma. Identifiers: Orphanet 227535, MedGen C0346153, MONDO:0016419, OMIM 114480. Disease mechanism: loss of function.

Allele frequency attached by ClinVar (database versions not stated): ESP Exome Variant Server 0.00008.

Submissions (2):

Labcorp Genetics (formerly Invitae), Labcorp
Classification: Uncertain significance for Familial cancer of breast. Last evaluated: 2025-07-31. Review status: criteria provided, single submitter. Criteria: Invitae Variant Classification Sherloc (09022015). Collection method: clinical testing. Allele origin: germline.
Comment: This sequence change replaces threonine, which is neutral and polar, with alanine, which is neutral and non-polar, at codon 841 of the PALB2 protein (p.Thr841Ala). This variant is not present in population databases (gnomAD no frequency). This variant has not been reported in the literature in individuals affected with PALB2-related conditions. ClinVar contains an entry for this variant (Variation ID: 141890). Invitae Evidence Modeling of protein sequence and biophysical properties (such as structural, functional, and spatial information, amino acid conservation, physicochemical variation, residue mobility, and thermodynamic stability) indicates that this missense variant is not expected to disrupt PALB2 protein function with a negative predictive value of 80%. In summary, the available evidence is currently insufficient to determine the role of this variant in disease. Therefore, it has been classified as a Variant of Uncertain Significance.

Ambry Genetics
Classification: Likely benign for Hereditary cancer-predisposing syndrome. Last evaluated: 2024-03-27. Review status: criteria provided, single submitter. Criteria: Ambry Variant Classification Scheme 2023. Collection method: clinical testing. Allele origin: germline.

NM_024675.4(PALB2):c.2521A>G (p.Thr841Ala)

Gene: PALB2 (partner and localizer of BRCA2; minus strand). Cytogenetic location: 16p12.2.
Variant type: single nucleotide variant.
Coding change: c.2521A>G on transcript NM_024675.4 (MANE Select); coding-DNA position 2521, A replaced by G.
Protein change: p.Thr841Ala; replaces threonine 841 with alanine.
Molecular consequence: missense variant.
Genome position (GRCh38, 1-based): chr16:23,629,269, T>C on the plus strand (A>G on the coding strand, the complement: PALB2 is on the minus strand). VCF-style: chr16-23629269-T-C. GRCh37 (hg19) VCF-style: chr16-23640590-T-C.
Other names: short protein forms T841A.
Identifiers: ClinVar variation 141890 (VCV000141890.16), dbSNP rs368990417, ClinGen allele CA166713.